The following is an entry in ClinVar:

ClinVar aggregate classification (germline): Likely benign. Review status: criteria provided, multiple submitters, no conflicts (2 of 4 stars). 4 submissions from 4 submitters: Likely benign (4). Last evaluated 2026-09-17.

Conditions:
Inborn genetic diseases. Identifiers: MedGen C0950123, MeSH D030342.
KDM1A-related disorder. Also called: KDM1A-related condition.

Allele frequency attached by ClinVar (database versions not stated): gnomAD exomes 0.00002 and 0.00004; ExAC 0.00004; gnomAD 0.00006 and 0.00008; TOPMed 0.00006; 1000 Genomes Project 30x 0.00016; 1000 Genomes Project 0.00020.
gnomAD v4.1: 86 of 1,611,744 alleles (0.0053%); highest among the groups gnomAD compares: Middle Eastern, 0.083%; 2 homozygotes.

Submissions (4):

PreventionGenetics, part of Exact Sciences
Classification: Likely benign for KDM1A-related condition. Last evaluated: 2026-09-17. Review status: criteria provided, single submitter. Criteria: ACMG Guidelines, 2015. Collection method: clinical testing. Allele origin: germline.
Comment: This variant is classified as likely benign based on ACMG/AMP sequence variant interpretation guidelines (Richards et al. 2015 PMID: 25741868, with internal and published modifications).

Labcorp Genetics (formerly Invitae), Labcorp
Classification: Likely benign. Last evaluated: 2025-12-17. Review status: criteria provided, single submitter. Criteria: Invitae Variant Classification Sherloc (09022015). Collection method: clinical testing. Allele origin: germline.

Ambry Genetics
Classification: Likely benign for Inborn genetic diseases. Last evaluated: 2024-12-07. Review status: criteria provided, single submitter. Criteria: Ambry Variant Classification Scheme 2023. Collection method: clinical testing. Allele origin: germline.

Blueprint Genetics
Classification: Likely benign. Last evaluated: 2024-11-14. Review status: criteria provided, single submitter. Criteria: ACMG Guidelines, 2015. Collection method: clinical testing. Allele origin: germline.

NM_001009999.3(KDM1A):c.852C>T (p.Phe284=)

Gene: KDM1A (lysine demethylase 1A; plus strand). Cytogenetic location: 1p36.12.
Variant type: single nucleotide variant.
Coding change: c.852C>T on transcript NM_001009999.3 (MANE Select); coding-DNA position 852, C replaced by T.
Protein change: p.Phe284=; no amino-acid change (phenylalanine 284 retained).
Molecular consequence: synonymous variant.
Genome position (GRCh38, 1-based): chr1:23,055,130, C>T. VCF-style: chr1-23055130-C-T. GRCh37 (hg19) VCF-style: chr1-23381623-C-T.
Other names: c.792C>T, p.Phe264= (NM_001363654.2, NM_015013.4).
Identifiers: ClinVar variation 734576 (VCV000734576.11), dbSNP rs189014649, ClinGen allele CA679572.